The following is an entry in ClinVar:

ClinVar aggregate classification (germline): Pathogenic. Review status: criteria provided, multiple submitters, no conflicts (2 of 4 stars). 2 submissions from 2 submitters: Pathogenic (2). Last evaluated 2025-04-15.

Conditions:
Hereditary cancer-predisposing syndrome. Also called: Tumor predisposition; Hereditary neoplastic syndrome; Neoplastic Syndromes, Hereditary; Hereditary Cancer Syndrome. Identifiers: Orphanet 140162, MedGen C0027672, MeSH D009386, MONDO:0015356.
Hereditary breast ovarian cancer syndrome. Also called: Hereditary breast and ovarian cancer syndrome (HBOC); Hereditary breast and/or ovarian cancer syndrome; Hereditary breast and ovarian cancer; BRCA1- and BRCA2-Associated Hereditary Breast and Ovarian Cancer; Hereditary breast and ovarian cancer syndrome; Breast and ovarian cancer. Identifiers: Orphanet 145, MedGen C0677776, MeSH D061325, MONDO:0003582. Disease mechanism: loss of function.

Submissions (2):

Ambry Genetics
Classification: Pathogenic for Hereditary cancer-predisposing syndrome. Last evaluated: 2025-04-15. Review status: criteria provided, single submitter. Criteria: Ambry Variant Classification Scheme 2023. Collection method: clinical testing. Allele origin: germline.
Comment: The c.1423_1508del86 pathogenic mutation, located in coding exon 9 of the BRCA1 gene, results from a deletion of 86 nucleotides at nucleotide positions 1423 to 1508, causing a translational frameshift with a predicted alternate stop codon (p.S475Afs*2). This variant is considered to be rare based on population cohorts in the Genome Aggregation Database (gnomAD). This alteration is expected to result in loss of function by premature protein truncation or nonsense-mediated mRNA decay. As such, this alteration is interpreted as a disease-causing mutation.

Labcorp Genetics (formerly Invitae), Labcorp
Classification: Pathogenic for Hereditary breast ovarian cancer syndrome. Last evaluated: 2020-12-03. Review status: criteria provided, single submitter. Criteria: Invitae Variant Classification Sherloc (09022015). Collection method: clinical testing. Allele origin: germline.
Comment: Loss-of-function variants in BRCA1 are known to be pathogenic (PMID: 20104584). For these reasons, this variant has been classified as Pathogenic. This variant has not been reported in the literature in individuals with BRCA1-related conditions. This variant is not present in population databases (ExAC no frequency). This sequence change creates a premature translational stop signal (p.Ser475Alafs*2) in the BRCA1 gene. It is expected to result in an absent or disrupted protein product.

Literature cited by the submitters: PubMed 20104584 (cited by Labcorp Genetics (formerly Invitae), Labcorp).

NM_007294.4(BRCA1):c.1423_1508del (p.Ser475fs)

Gene: BRCA1 (BRCA1 DNA repair associated; minus strand). Cytogenetic location: 17q21.31.
Variant type: Deletion.
Coding change: c.1423_1508del on transcript NM_007294.4 (MANE Select); coding-DNA positions 1423 to 1508, 86 bases deleted.
Protein change: p.Ser475fs; shifts the reading frame from serine 475.
Molecular consequence: frameshift variant. On other transcripts: intron variant (137).
Genome position (GRCh38, 1-based): chr17:43,094,023-43,094,108, 86 bases deleted. GRCh37 (hg19): chr17:41,246,041-41,246,126.
Other names: c.1282_1367del, p.Ser428fs (NM_001407729.1, NM_001407730.1, NM_001407731.1 and 29 more transcripts); c.1279_1364del, p.Ser427fs (NM_001407740.1, NM_001407741.1, NM_001407742.1 and 20 more transcripts); c.1210_1295del, p.Ser404fs (NM_001407853.1, NM_001407894.1, NM_001407895.1 and 9 more transcripts); c.1423_1508del, p.Ser475fs (NM_001407854.1, NM_001407858.1, NM_001407859.1 and 30 more transcripts); c.1420_1505del, p.Ser474fs (NM_001407860.1, NM_001407861.1, NM_001407587.1 and 22 more transcripts); c.1222_1307del, p.Ser408fs (NM_001407862.1); c.1300_1385del, p.Ser434fs (NM_001407863.1, NM_001407919.1, NM_001407937.1 and 19 more transcripts); c.1219_1304del, p.Ser407fs (NM_001407874.1, NM_001407875.1); and 41 more; short protein forms S428fs, S475fs, S347fs, S386fs, S472fs, S474fs, S307fs, S348fs.
Identifiers: ClinVar variation 1074343 (VCV001074343.17), dbSNP rs2154442124, ClinGen allele CA2499224550.